The following is an entry in ClinVar:

NM_001385012.1(NBEA):c.7304T>C (p.Ile2435Thr)

Gene: NBEA (neurobeachin; plus strand). Cytogenetic location: 13q13.3.
Variant type: single nucleotide variant.
Coding change: c.7304T>C on transcript NM_001385012.1 (MANE Select); coding-DNA position 7304, T replaced by C.
Protein change: p.Ile2435Thr; replaces isoleucine 2435 with threonine.
Molecular consequence: missense variant.
Genome position (GRCh38, 1-based): chr13:35,606,433, T>C. VCF-style: chr13-35606433-T-C. GRCh37 (hg19) VCF-style: chr13-36180570-T-C.
Other names: c.683T>C, p.Ile228Thr (NM_001204197.3); c.7295T>C, p.Ile2432Thr (NM_001379245.1); c.7304T>C, p.Ile2435Thr (NM_015678.5); short protein forms I228T, I2432T, I2435T.
Identifiers: ClinVar variation 3375666 (VCV003375666.2).

ClinVar aggregate classification (germline): Uncertain significance (1 of 4 stars; one submission).

Submission:

GeneDx
Classification: Uncertain significance. Last evaluated: 2026-01-08. Review status: criteria provided, single submitter. Criteria: GeneDx Variant Classification Process June 2021. Collection method: clinical testing. Allele origin: germline.
Comment: Not observed at significant frequency in large population cohorts (gnomAD); In silico analysis supports that this missense variant has a deleterious effect on protein structure/function; Has not been previously published as pathogenic or benign to our knowledge